The following is an entry in ClinVar:

ClinVar aggregate classification (germline): Likely benign (0 of 4 stars; one submission).

Conditions:
GSTZ1-related disorder. Also called: GSTZ1-related condition.

gnomAD v4.1: 2,533 of 1,534,498 alleles (0.17%); highest among the groups gnomAD compares: African/African-American, 2.9%; 50 homozygotes.

Submission:

PreventionGenetics, part of Exact Sciences
Classification: Likely benign for GSTZ1-related condition. Last evaluated: 2024-09-20. Review status: no assertion criteria provided. Collection method: clinical testing. Allele origin: germline.
Comment: This variant is classified as likely benign based on ACMG/AMP sequence variant interpretation guidelines (Richards et al. 2015 PMID: 25741868, with internal and published modifications).

NM_145870.3(GSTZ1):c.16-270A>G

Gene: GSTZ1 (glutathione S-transferase zeta 1; plus strand). Cytogenetic location: 14q24.3.
Variant type: single nucleotide variant.
Coding change: c.16-270A>G on transcript NM_145870.3 (MANE Select); 270 bases into the intron before coding-DNA position 16, A replaced by G.
Molecular consequence: intron variant. On other transcripts: 5 prime UTR variant (1).
Genome position (GRCh38, 1-based): chr14:77,324,600, A>G. VCF-style: chr14-77324600-A-G. GRCh37 (hg19) VCF-style: chr14-77790943-A-G.
Other names: c.-5A>G (NM_001363703.2); c.-150-270A>G (NM_001312660.2); c.16-270A>G (NM_145871.3).
Identifiers: ClinVar variation 3353098 (VCV003353098.1).